The following is an entry in ClinVar:

ClinVar aggregate classification (germline): Uncertain significance (1 of 4 stars; one submission).

gnomAD v4.1: 38 of 1,535,500 alleles (0.0025%); highest among the groups gnomAD compares: East Asian, 0.0073%; no homozygotes.

Submission:

Labcorp Genetics (formerly Invitae), Labcorp
Classification: Uncertain significance. Last evaluated: 2025-05-25. Review status: criteria provided, single submitter. Criteria: Invitae Variant Classification Sherloc (09022015). Collection method: clinical testing. Allele origin: germline.
Comment: This sequence change replaces arginine, which is basic and polar, with cysteine, which is neutral and slightly polar, at codon 417 of the GCGR protein (p.Arg417Cys). This variant is present in population databases (no rsID available, gnomAD 0.01%). This variant has not been reported in the literature in individuals affected with GCGR-related conditions. An algorithm developed to predict the effect of missense changes on protein structure and function (PolyPhen-2) suggests that this variant is likely to be tolerated. In summary, the available evidence is currently insufficient to determine the role of this variant in disease. Therefore, it has been classified as a Variant of Uncertain Significance.

NM_000160.5(GCGR):c.1249C>T (p.Arg417Cys)

Gene: GCGR (glucagon receptor; plus strand). Cytogenetic location: 17q25.3.
Variant type: single nucleotide variant.
Coding change: c.1249C>T on transcript NM_000160.5 (MANE Select); coding-DNA position 1249, C replaced by T.
Protein change: p.Arg417Cys; replaces arginine 417 with cysteine.
Molecular consequence: missense variant.
Genome position (GRCh38, 1-based): chr17:81,813,504, C>T. VCF-style: chr17-81813504-C-T. GRCh37 (hg19) VCF-style: chr17-79771380-C-T.
Other names: short protein forms R417C.
Identifiers: ClinVar variation 4738998 (VCV004738998.1).